The following is an entry in ClinVar:

ClinVar aggregate classification (germline): Conflicting classifications of pathogenicity. Review status: criteria provided, conflicting classifications (1 of 4 stars). 7 submissions from 7 submitters: Pathogenic (1); Likely pathogenic (4); Uncertain significance (2). Last evaluated 2026-07-29.

Conditions:
Platelet-type bleeding disorder 10. Also called: CD36 DEFICIENCY. Identifiers: MedGen C1842090, MONDO:0012031, OMIM 608404.
CD36-related disorder. Also called: CD36-related condition; CD36-related disorders.

Submissions (7):

PreventionGenetics, part of Exact Sciences
Classification: Likely pathogenic for CD36-related condition. Last evaluated: 2026-07-29. Review status: criteria provided, single submitter. Criteria: ACMG Guidelines, 2015. Collection method: clinical testing. Allele origin: germline.
Comment: The CD36 c.1181_1185dup5 variant is predicted to result in a frameshift and premature protein termination (p.Glu397Hisfs*8). This variant has been reported in the compound heterozygous state in two siblings with MERS - mild ecephalitis with reversible splenial lesions (Gatto et al 2020. PubMed ID: 32346805). Other loss of function variants have been reported up and downstream to be causative for CD36 deficiency (Kashiwagi. 2001. PubMed ID: 11499670; Aitman. 2000. PubMed ID: 10890433). This variant is interpreted as likely pathogenic.

Blueprint Genetics
Classification: Uncertain significance. Last evaluated: 2024-02-21. Review status: criteria provided, single submitter. Criteria: ACMG Guidelines, 2015. Collection method: clinical testing. Allele origin: germline.

Laboratory of Medical Genetics, National & Kapodistrian University of Athens
Classification: Likely pathogenic for Platelet-type bleeding disorder 10. Last evaluated: 2024-01-08. Review status: criteria provided, single submitter. Criteria: ACMG Guidelines, 2015. Collection method: clinical testing. Allele origin: germline. Affected: yes.
Comment: PVS1, PM2 - The variant has been reported in ClinVar by other laboratories (Variation ID 360768) and was detected in trans with NM_001127443.1:c.1079T>G variant.

Department of Pathology and Laboratory Medicine, Sinai Health System
Classification: Likely pathogenic for platelet-type bleeding disorder 10. Last evaluated: 2023-07-11. Review status: criteria provided, single submitter. Criteria: ACMG Guidelines, 2015. Collection method: research. Allele origin: germline.

Clinical Genetics Laboratory, Skane University Hospital Lund
Classification: Pathogenic. Last evaluated: 2023-01-16. Review status: criteria provided, single submitter. Criteria: ACMG Guidelines, 2015. Collection method: clinical testing. Allele origin: germline. Affected: yes.

Revvity Omics, Revvity
Classification: Likely pathogenic for Platelet-type bleeding disorder 10. Last evaluated: 2020-12-04. Review status: criteria provided, single submitter. Criteria: ACMG Guidelines, 2015. Collection method: clinical testing. Allele origin: germline.

Breakthrough Genomics
Classification: Uncertain significance. Review status: criteria provided, single submitter. Criteria: ACMG Guidelines, 2015. Collection method: not provided. Allele origin: germline. Inheritance: Autosomal recessive inheritance. Affected: yes.

NM_001001548.3(CD36):c.1181_1185dup (p.Glu397fs)

Gene: CD36 (CD36 molecule (CD36 blood group); plus strand). Cytogenetic location: 7q21.11.
Variant type: Duplication.
Coding change: c.1181_1185dup on transcript NM_001001548.3 (MANE Select); coding-DNA positions 1181 to 1185, 5 bases duplicated (AGCCA; older notation c.1181_1185dupAGCCA).
Protein change: p.Glu397fs; shifts the reading frame from glutamic acid 397.
Molecular consequence: frameshift variant. On other transcripts: non-coding transcript variant (1).
Genome position (GRCh38, 1-based): chr7:80,672,825-80,672,829, AGCCA duplicated; duplicating any 5 consecutive bases within chr7:80,672,823-80,672,829 gives the same sequence; the c. name uses the placement nearest the transcript's 3' end. VCF-style (leftmost placement, unchanged base first): chr7-80672822-T-TCAAGC. GRCh37 (hg19) VCF-style: chr7-80302138-T-TCAAGC.
Other names: c.1181_1185dup, p.Glu397fs (NM_000072.3, NM_001001547.3, NM_001127443.2 and 5 more transcripts); c.1064_1068dup, p.Glu358fs (NM_001289908.1); c.1001_1005dup, p.Glu337fs (NM_001289909.1); c.953_957dup, p.Glu321fs (NM_001289911.2); c.1079_1083dup, p.Glu363fs (NM_001371079.1); c.716_720dup, p.Glu242fs (NM_001371080.1, NM_001371081.1); c.1181_1185dup (NM_001127443.1); c.1181_1185dup5 (NM_001001547.2); short protein forms E358fs, E337fs, E321fs, E397fs, E242fs, E363fs.
Identifiers: ClinVar variation 360768 (VCV000360768.15), dbSNP rs757570230, ClinGen allele CA4315650.